The following is an entry in ClinVar:

ClinVar aggregate classification (germline): Uncertain significance (1 of 4 stars; one submission).

Conditions:
LAMA5-related disorder. Also called: LAMA5-related condition; LAMA5-Related Disorders.

Allele frequency attached by ClinVar (database versions not stated): ExAC 0.00010; gnomAD 0.00022.
gnomAD v4.1: 113 of 1,563,240 alleles (0.0072%); highest among the groups gnomAD compares: Admixed American, 0.094%; no homozygotes.

Submission:

PreventionGenetics, part of Exact Sciences
Classification: Uncertain significance for LAMA5-related condition. Last evaluated: 2022-12-19. Review status: criteria provided, single submitter. Criteria: ACMG Guidelines, 2015. Collection method: clinical testing. Allele origin: germline.
Comment: The LAMA5 c.8858G>A variant is predicted to result in the amino acid substitution p.Arg2953His. To our knowledge, this variant has not been reported in the literature. This variant is reported in 0.053% of alleles in individuals of Latino descent in gnomAD. Although we suspect that this variant may be benign, at this time, the clinical significance of this variant is uncertain due to the absence of conclusive functional and genetic evidence.

NM_005560.6(LAMA5):c.8858G>A (p.Arg2953His)

Gene: LAMA5 (laminin subunit alpha 5; minus strand). Cytogenetic location: 20q13.33.
Variant type: single nucleotide variant.
Coding change: c.8858G>A on transcript NM_005560.6 (MANE Select); coding-DNA position 8858, G replaced by A.
Protein change: p.Arg2953His; replaces arginine 2953 with histidine.
Molecular consequence: missense variant.
Genome position (GRCh38, 1-based): chr20:62,313,185, C>T on the plus strand (G>A on the coding strand, the complement: LAMA5 is on the minus strand). VCF-style: chr20-62313185-C-T. GRCh37 (hg19) VCF-style: chr20-60888241-C-T.
Other names: short protein forms R2953H.
Identifiers: ClinVar variation 2636129 (VCV002636129.1), dbSNP rs771847671, ClinGen allele CA9940527.